The following is an entry in ClinVar:

ClinVar aggregate classification (germline): Uncertain significance (1 of 4 stars; one submission).

Conditions:
LHX4-related disorder. Also called: LHX4-related condition.

Submission:

PreventionGenetics, part of Exact Sciences
Classification: Uncertain significance for LHX4-related condition. Last evaluated: 2025-05-30. Review status: criteria provided, single submitter. Criteria: ACMG Guidelines, 2015. Collection method: clinical testing. Allele origin: germline.
Comment: The LHX4 c.337C>T variant is predicted to result in the amino acid substitution p.His113Tyr. To our knowledge, this variant has not been reported in the literature or in a large population database (gnomAD), indicating this variant is rare. At this time, the clinical significance of this variant is uncertain due to the absence of conclusive functional and genetic evidence.

NM_033343.4(LHX4):c.337C>T (p.His113Tyr)

Gene: LHX4 (LIM homeobox 4; plus strand). Cytogenetic location: 1q25.2.
Variant type: single nucleotide variant.
Coding change: c.337C>T on transcript NM_033343.4 (MANE Select); coding-DNA position 337, C replaced by T.
Protein change: p.His113Tyr; replaces histidine 113 with tyrosine.
Molecular consequence: missense variant.
Genome position (GRCh38, 1-based): chr1:180,266,480, C>T. VCF-style: chr1-180266480-C-T. GRCh37 (hg19) VCF-style: chr1-180235615-C-T.
Other names: short protein forms H113Y.
Identifiers: ClinVar variation 4981035 (VCV004981035.1).